The following is an entry in ClinVar:

NM_001394998.1(TANC2):c.804C>T (p.Arg268=)

Gene: TANC2 (tetratricopeptide repeat, ankyrin repeat and coiled-coil containing 2; plus strand). Cytogenetic location: 17q23.3.
Variant type: single nucleotide variant.
Coding change: c.804C>T on transcript NM_001394998.1 (MANE Select); coding-DNA position 804, C replaced by T.
Protein change: p.Arg268=; no amino-acid change (arginine 268 retained).
Molecular consequence: synonymous variant.
Genome position (GRCh38, 1-based): chr17:63,237,848, C>T. VCF-style: chr17-63237848-C-T. GRCh37 (hg19) VCF-style: chr17-61315209-C-T.
Other names: c.582C>T, p.Arg194= (NM_025185.4).
Identifiers: ClinVar variation 782158 (VCV000782158.37), dbSNP rs147422041, ClinGen allele CA8697447.

ClinVar aggregate classification (germline): Benign. Review status: criteria provided, multiple submitters, no conflicts (2 of 4 stars). 4 submissions from 4 submitters: Benign (3). 1 of the submissions does not count toward it. Last evaluated 2024-07-01.

Conditions:
TANC2-related disorder. Also called: TANC2-related condition.

Allele frequency attached by ClinVar (database versions not stated): 1000 Genomes Project 0.00559; 1000 Genomes Project 30x 0.00578; TOPMed 0.00809; gnomAD 0.00957 and 0.00968; ExAC 0.00973; gnomAD exomes 0.01050 and 0.01468; ESP Exome Variant Server 0.01074.
gnomAD v4.1: 21,765 of 1,550,228 alleles (1.4%); highest among the groups gnomAD compares: Non-Finnish European, 1.6%; 185 homozygotes.

Submissions (4):

CeGaT Center for Human Genetics Tuebingen
Classification: Benign. Last evaluated: 2024-07-01. Review status: criteria provided, single submitter. Criteria: CeGaT Center For Human Genetics Tuebingen Variant Classification Criteria Version 2. Collection method: clinical testing. Allele origin: germline. Affected: yes. Observed: 45 variant alleles.
Comment: TANC2: BP4, BP7, BS1, BS2

Labcorp Genetics (formerly Invitae), Labcorp
Classification: Benign. Last evaluated: 2018-05-17. Review status: criteria provided, single submitter. Criteria: Invitae Variant Classification Sherloc (09022015). Collection method: clinical testing. Allele origin: germline.

Breakthrough Genomics
Classification: Benign. Review status: criteria provided, single submitter. Criteria: ACMG Guidelines, 2015. Collection method: not provided. Allele origin: germline. Inheritance: Autosomal dominant inheritance. Affected: yes.

PreventionGenetics, part of Exact Sciences
Classification: Benign for TANC2-related condition. Last evaluated: 2019-12-18. Review status: no assertion criteria provided. Collection method: clinical testing. Allele origin: germline. Not counted in ClinVar's aggregate classification.
Comment: This variant is classified as benign based on ACMG/AMP sequence variant interpretation guidelines (Richards et al. 2015 PMID: 25741868, with internal and published modifications).